The following is an entry in ClinVar:

ClinVar aggregate classification (germline): Uncertain significance. Review status: criteria provided, multiple submitters, no conflicts (2 of 4 stars). 2 submissions from 2 submitters: Uncertain significance (2). Last evaluated 2025-10-30.

Conditions:
Inborn genetic diseases. Identifiers: MedGen C0950123, MeSH D030342.

Allele frequency attached by ClinVar (database versions not stated): gnomAD exomes below 0.00001 and 0.00001.

Submissions (2):

Ambry Genetics
Classification: Uncertain significance for Inborn genetic diseases. Last evaluated: 2025-10-30. Review status: criteria provided, single submitter. Criteria: Ambry Variant Classification Scheme 2023. Collection method: clinical testing. Allele origin: germline.

Labcorp Genetics (formerly Invitae), Labcorp
Classification: Uncertain significance. Last evaluated: 2022-08-22. Review status: criteria provided, single submitter. Criteria: Invitae Variant Classification Sherloc (09022015). Collection method: clinical testing. Allele origin: germline.
Comment: In summary, the available evidence is currently insufficient to determine the role of this variant in disease. Therefore, it has been classified as a Variant of Uncertain Significance. Algorithms developed to predict the effect of missense changes on protein structure and function (SIFT, PolyPhen-2, Align-GVGD) all suggest that this variant is likely to be disruptive. ClinVar contains an entry for this variant (Variation ID: 1040322). This variant has not been reported in the literature in individuals affected with PDE6C-related conditions. This variant is present in population databases (no rsID available, gnomAD 0.0009%). This sequence change replaces methionine, which is neutral and non-polar, with threonine, which is neutral and polar, at codon 683 of the PDE6C protein (p.Met683Thr).

NM_006204.4(PDE6C):c.2048T>C (p.Met683Thr)

Gene: PDE6C (phosphodiesterase 6C; plus strand). Cytogenetic location: 10q23.33.
Variant type: single nucleotide variant.
Coding change: c.2048T>C on transcript NM_006204.4 (MANE Select); coding-DNA position 2048, T replaced by C.
Protein change: p.Met683Thr; replaces methionine 683 with threonine.
Molecular consequence: missense variant.
Genome position (GRCh38, 1-based): chr10:93,658,912, T>C. VCF-style: chr10-93658912-T-C. GRCh37 (hg19) VCF-style: chr10-95418669-T-C.
Other names: c.2048T>C (NM_006204.3); short protein forms M683T.
Identifiers: ClinVar variation 1040322 (VCV001040322.9), dbSNP rs1167023429, ClinGen allele CA377624505.